The following is an entry in ClinVar:

ClinVar aggregate classification (germline): Likely benign (0 of 4 stars; one submission).

Conditions:
COL6A2-related disorder.

Submission:

PreventionGenetics, part of Exact Sciences
Classification: Likely benign for COL6A2-related condition. Last evaluated: 2023-11-06. Review status: no assertion criteria provided. Collection method: clinical testing. Allele origin: germline.
Comment: This variant is classified as likely benign based on ACMG/AMP sequence variant interpretation guidelines (Richards et al. 2015 PMID: 25741868, with internal and published modifications).

NM_001849.4(COL6A2):c.-6G>T

Gene: COL6A2 (collagen type VI alpha 2 chain; plus strand). Cytogenetic location: 21q22.3.
Variant type: single nucleotide variant.
Coding change: c.-6G>T on transcript NM_001849.4 (MANE Select); 6 bases upstream of the start codon, G replaced by T.
Molecular consequence: 5 prime UTR variant.
Genome position (GRCh38, 1-based): chr21:46,111,471, G>T. VCF-style: chr21-46111471-G-T. GRCh37 (hg19) VCF-style: chr21-47531385-G-T.
Other names: c.-6G>T (NM_058174.3, NM_058175.3).
Identifiers: ClinVar variation 3054140 (VCV003054140.2), dbSNP rs757279009, ClinGen allele CA638180922.
Genomic context (GRCh38, chr21:46,111,471, plus strand): 5'-GCACTGGGGGTGTCTGAGCGACCCCCACCCCTGTTGCAGGACTTCAGGGCCACAGGTGCT[G>T]CCAAGATGCTCCAGGGCACCTGCTCCGTGCTCCTGCTCTGGGGAATCCTGGGGGCCATCC-3'